The following is an entry in ClinVar:

NM_139242.4(MTFMT):c.87G>A (p.Leu29=)

Gene: MTFMT (mitochondrial methionyl-tRNA formyltransferase; minus strand). Cytogenetic location: 15q22.31.
Variant type: single nucleotide variant.
Coding change: c.87G>A on transcript NM_139242.4 (MANE Select); coding-DNA position 87, G replaced by A.
Protein change: p.Leu29=; no amino-acid change (leucine 29 retained).
Molecular consequence: synonymous variant.
Genome position (GRCh38, 1-based): chr15:65,029,527, C>T on the plus strand (G>A on the coding strand, the complement: MTFMT is on the minus strand). VCF-style: chr15-65029527-C-T. GRCh37 (hg19) VCF-style: chr15-65321865-C-T.
Identifiers: ClinVar variation 1911903 (VCV001911903.7), dbSNP rs2506169467, ClinGen allele CA490826991.

ClinVar aggregate classification (germline): Likely benign. Review status: criteria provided, multiple submitters, no conflicts (2 of 4 stars). 2 submissions from 2 submitters: Likely benign (2). Last evaluated 2026-07-01.

Allele frequency attached by ClinVar (database versions not stated): gnomAD exomes below 0.00001.
gnomAD v4.1: 2 of 1,527,016 alleles (0.00013%); highest among the groups gnomAD compares: Non-Finnish European, 0.00018%; no homozygotes.

Submissions (2):

CeGaT Center for Human Genetics Tuebingen
Classification: Likely benign. Last evaluated: 2026-07-01. Review status: criteria provided, single submitter. Criteria: CeGaT Center For Human Genetics Tuebingen Variant Classification Criteria Version 2. Collection method: clinical testing. Allele origin: germline. Affected: yes. Observed: 1 variant allele.
Comment: MTFMT: BP4, BP7

Labcorp Genetics (formerly Invitae), Labcorp
Classification: Likely benign. Last evaluated: 2024-10-15. Review status: criteria provided, single submitter. Criteria: Invitae Variant Classification Sherloc (09022015). Collection method: clinical testing. Allele origin: germline.